The following is an entry in ClinVar:

NM_001042492.3(NF1):c.3867C>G (p.Phe1289Leu)

Gene: NF1 (neurofibromin 1; plus strand). Cytogenetic location: 17q11.2.
Variant type: single nucleotide variant.
Coding change: c.3867C>G on transcript NM_001042492.3 (MANE Select); coding-DNA position 3867, C replaced by G.
Protein change: p.Phe1289Leu; replaces phenylalanine 1289 with leucine.
Molecular consequence: missense variant.
Genome position (GRCh38, 1-based): chr17:31,235,769, C>G. VCF-style: chr17-31235769-C-G. GRCh37 (hg19) VCF-style: chr17-29562787-C-G.
Other names: c.3867C>G, p.Phe1289Leu (NM_000267.4); short protein forms F1289L.
Identifiers: ClinVar variation 187377 (VCV000187377.4), dbSNP rs138186428, ClinGen allele CA197491.
Genomic context (GRCh38, chr17:31,235,769, plus strand): 5'-CTCCATGCAGACTCTCTTCCGAGGCAACAGCTTGGCCAGTAAAATAATGACATTCTGTTT[C>G]AAGGTTTGTATCATTCATTTTGTGTGTATGTGTGTGCTGAGGTATGTCAAGTAATGATTA-3'
Protein context (NP_001035957.1, residues 1279-1299): SLASKIMTFC[Phe1289Leu]KVYGATYLQK

ClinVar aggregate classification (germline): Uncertain significance. Review status: criteria provided, multiple submitters, no conflicts (2 of 4 stars). 2 submissions from 2 submitters: Uncertain significance (2). Last evaluated 2017-01-19.

Conditions:
Hereditary cancer-predisposing syndrome. Also called: Neoplastic Syndromes, Hereditary; Tumor predisposition; Hereditary Cancer Syndrome; Hereditary neoplastic syndrome. Identifiers: Orphanet 140162, MedGen C0027672, MeSH D009386, MONDO:0015356.

Submissions (2):

GeneDx
Classification: Uncertain significance. Last evaluated: 2017-01-19. Review status: criteria provided, single submitter. Criteria: GeneDx Variant Classification (06012015). Collection method: clinical testing. Allele origin: germline. Affected: yes.
Comment: The F1289L variant in the NF1 gene has not, to our knowledge, been published in the literature as pathogenic or benign. This variant was not observed in approximately 6,500 individuals of European and African American ancestry in the NHLBI Exome Sequencing Project, suggesting it is not a common benign variant in these populations. Since Phenylalanine and Leucine share similar properties, this is considered a conservative amino acid substitution. The F1289L variant occurs at a position that is conserved across species and is located in Ras-GAP domain (Uniprot). In silico analyses predict that this variant is probably damaging to protein structure and function. Based on currently available evidence, we consider F1289L to be a variant of uncertain significance.

Ambry Genetics
Classification: Uncertain significance for Hereditary cancer-predisposing syndrome. Last evaluated: 2014-12-22. Review status: criteria provided, single submitter. Criteria: Ambry Autosomal Dominant and X-Linked criteria (10/2015). Collection method: clinical testing. Allele origin: germline. Observed: 1 variant allele.
Comment: The p.F1289L variant (also known as c.3867C>G), located in coding exon 28 of the NF1 gene, results from a C to G substitution at nucleotide position 3867. The phenylalanine at codon 1289 is replaced by leucine, an amino acid with highly similar properties. This variant was not reported in population based cohorts in the following databases: Database of Single Nucleotide Polymorphisms (dbSNP), NHLBI Exome Sequencing Project (ESP), and 1000 Genomes Project. In the ESP, this variant was not observed in 6503 samples (13006 alleles) with coverage at this position. To date, this alteration has been detected with an allele frequency of approximately 0.003% (greater than 30000alleles tested) in our clinical cohort.This amino acid position is highly conserved in available vertebrate species. In addition, this alteration is predicted to be deleterious by in silico analysis.Since supporting evidence is limited at this time, the clinical significance of p.F1289Lremains unclear.